The following is an entry in ClinVar:

NM_001379291.1(BRD4):c.3056C>A (p.Pro1019His)

Gene: BRD4 (bromodomain containing 4; minus strand). Cytogenetic location: 19p13.12.
Variant type: single nucleotide variant.
Coding change: c.3056C>A on transcript NM_001379291.1 (MANE Select); coding-DNA position 3056, C replaced by A.
Protein change: p.Pro1019His; replaces proline 1019 with histidine.
Molecular consequence: missense variant.
Genome position (GRCh38, 1-based): chr19:15,243,013, G>T on the plus strand (C>A on the coding strand, the complement: BRD4 is on the minus strand). VCF-style: chr19-15243013-G-T. GRCh37 (hg19) VCF-style: chr19-15353824-G-T.
Other names: c.3056C>A, p.Pro1019His (NM_058243.3); c.3056C>A (NM_058243.2); short protein forms P1019H.
Identifiers: ClinVar variation 2713250 (VCV002713250.8), dbSNP rs200799369, ClinGen allele CA9264827.
Genomic context (GRCh38, chr19:15,243,013, plus strand): 5'-ACTTGCTGAGGCTTGGCAGGCTGCGGCGGGGGTGGCTGCTGGCCTGGGGGCGGATGGGGG[G>T]GCTGCTGGCCCTGGGGTGGCGGGGGCTGTTGGATGTGGGTGGAAAACTGCATGGGCTGCA-3'
Protein context (NP_001366220.1, residues 1009-1029): QQPPPPQGQQ[Pro1019His]PHPPPGQQPP

ClinVar aggregate classification (germline): Conflicting classifications of pathogenicity. Review status: criteria provided, conflicting classifications (1 of 4 stars). 3 submissions from 3 submitters: Uncertain significance (1); Likely benign (2). Last evaluated 2026-01-01.

Conditions:
BRD4-related disorder. Also called: BRD4-related condition.

Allele frequency attached by ClinVar (database versions not stated): 1000 Genomes Project 0.00020.

Submissions (3):

CeGaT Center for Human Genetics Tuebingen
Classification: Likely benign. Last evaluated: 2026-01-01. Review status: criteria provided, single submitter. Criteria: CeGaT Center For Human Genetics Tuebingen Variant Classification Criteria Version 2. Collection method: clinical testing. Allele origin: germline. Affected: yes. Observed: 1 variant allele.
Comment: BRD4: BS2

PreventionGenetics, part of Exact Sciences
Classification: Likely benign for BRD4-related condition. Last evaluated: 2025-11-05. Review status: criteria provided, single submitter. Criteria: ACMG Guidelines, 2015. Collection method: clinical testing. Allele origin: germline.
Comment: This variant is classified as likely benign based on ACMG/AMP sequence variant interpretation guidelines (Richards et al. 2015 PMID: 25741868, with internal and published modifications).

Labcorp Genetics (formerly Invitae), Labcorp
Classification: Uncertain significance. Last evaluated: 2025-01-12. Review status: criteria provided, single submitter. Criteria: Invitae Variant Classification Sherloc (09022015). Collection method: clinical testing. Allele origin: germline.
Comment: This sequence change replaces proline, which is neutral and non-polar, with histidine, which is basic and polar, at codon 1019 of the BRD4 protein (p.Pro1019His). This variant is present in population databases (rs200799369, gnomAD 0.06%), and has an allele count higher than expected for a pathogenic variant. This variant has not been reported in the literature in individuals affected with BRD4-related conditions. ClinVar contains an entry for this variant (Variation ID: 2713250). An algorithm developed to predict the effect of missense changes on protein structure and function (PolyPhen-2) suggests that this variant is likely to be disruptive. In summary, the available evidence is currently insufficient to determine the role of this variant in disease. Therefore, it has been classified as a Variant of Uncertain Significance.